The following is an entry in ClinVar:

ClinVar aggregate classification (germline): Uncertain significance (1 of 4 stars; one submission).

Conditions:
Glycine encephalopathy. Also called: Nonketotic hyperglycinemia; Non-ketotic hyperglycinemia. Identifiers: Orphanet 407, MedGen C0751748, MONDO:0011612, HP:0008288.

Allele frequency attached by ClinVar (database versions not stated): gnomAD exomes below 0.00001.

Submission:

Labcorp Genetics (formerly Invitae), Labcorp
Classification: Uncertain significance for Glycine encephalopathy. Last evaluated: 2022-07-21. Review status: criteria provided, single submitter. Criteria: Invitae Variant Classification Sherloc (09022015). Collection method: clinical testing. Allele origin: germline.
Comment: This sequence change replaces glycine, which is neutral and non-polar, with serine, which is neutral and polar, at codon 194 of the AMT protein (p.Gly194Ser). The frequency data for this variant in the population databases is considered unreliable, as metrics indicate poor data quality at this position in the gnomAD database. This variant has not been reported in the literature in individuals affected with AMT-related conditions. Advanced modeling of protein sequence and biophysical properties (such as structural, functional, and spatial information, amino acid conservation, physicochemical variation, residue mobility, and thermodynamic stability) performed at Invitae indicates that this missense variant is not expected to disrupt AMT protein function. In summary, the available evidence is currently insufficient to determine the role of this variant in disease. Therefore, it has been classified as a Variant of Uncertain Significance.

NM_000481.4(AMT):c.580G>A (p.Gly194Ser)

Gene: AMT (aminomethyltransferase; minus strand). Cytogenetic location: 3p21.31.
Variant type: single nucleotide variant.
Coding change: c.580G>A on transcript NM_000481.4 (MANE Select); coding-DNA position 580, G replaced by A.
Protein change: p.Gly194Ser; replaces glycine 194 with serine.
Molecular consequence: missense variant. On other transcripts: non-coding transcript variant (1).
Genome position (GRCh38, 1-based): chr3:49,419,376, C>T on the plus strand (G>A on the coding strand, the complement: AMT is on the minus strand). VCF-style: chr3-49419376-C-T. GRCh37 (hg19) VCF-style: chr3-49456809-C-T.
Other names: c.448G>A, p.Gly150Ser (NM_001164710.2); c.412G>A, p.Gly138Ser (NM_001164711.2); c.580G>A, p.Gly194Ser (NM_001164712.2); short protein forms G150S, G194S, G138S.
Identifiers: ClinVar variation 2064872 (VCV002064872.1), dbSNP rs1172598237, ClinGen allele CA352790279.
Genomic context (GRCh38, chr3:49,419,376, plus strand): 5'-CAAACACCTCCATCACAGCACTGGTCATGAAGGGCAGTTTCCTCAGGTCATCTGCCACGC[C>T]GGCCTGTAGTACCTGGGCTGCAGTGGGGCCTGGGCCCAGGGAGCCAGTGACCAAGTATCC-3'
Protein context (NP_000472.2, residues 184-204): GPTAAQVLQA[Gly194Ser]VADDLRKLPF